The following is an entry in ClinVar:

ClinVar aggregate classification (germline): Uncertain significance (1 of 4 stars; one submission).

Conditions:
RASopathy. Also called: rasopathies; Noonan spectrum disorder. Identifiers: Orphanet 536391, MedGen C5555857, MONDO:0021060.

Allele frequency attached by ClinVar (database versions not stated): gnomAD 0.00002; gnomAD exomes 0.00002.
gnomAD v4.1: 29 of 1,599,392 alleles (0.0018%); highest among the groups gnomAD compares: Non-Finnish European, 0.0024%; no homozygotes.

Submission:

Labcorp Genetics (formerly Invitae), Labcorp
Classification: Uncertain significance for RASopathy. Last evaluated: 2025-02-19. Review status: criteria provided, single submitter. Criteria: Invitae Variant Classification Sherloc (09022015). Collection method: clinical testing. Allele origin: germline.
Comment: This sequence change replaces glycine, which is neutral and non-polar, with serine, which is neutral and polar, at codon 307 of the MAP2K2 protein (p.Gly307Ser). This variant also falls at the last nucleotide of exon 7, which is part of the consensus splice site for this exon. This variant is present in population databases (no rsID available, gnomAD 0.007%). This variant has not been reported in the literature in individuals affected with MAP2K2-related conditions. ClinVar contains an entry for this variant (Variation ID: 1494585). An algorithm developed to predict the effect of missense changes on protein structure and function (PolyPhen-2) suggests that this variant is likely to be tolerated. Variants that disrupt the consensus splice site are a relatively common cause of aberrant splicing (PMID: 17576681, 9536098). Algorithms developed to predict the effect of sequence changes on RNA splicing suggest that this variant may disrupt the consensus splice site. In summary, the available evidence is currently insufficient to determine the role of this variant in disease. Therefore, it has been classified as a Variant of Uncertain Significance.

Literature cited by the submitters: PubMed 17576681; PubMed 9536098.

NM_030662.4(MAP2K2):c.919G>A (p.Gly307Ser)

Gene: MAP2K2 (mitogen-activated protein kinase kinase 2; minus strand). Cytogenetic location: 19p13.3.
Variant type: single nucleotide variant.
Coding change: c.919G>A on transcript NM_030662.4 (MANE Select); coding-DNA position 919, G replaced by A.
Protein change: p.Gly307Ser; replaces glycine 307 with serine.
Molecular consequence: missense variant.
Genome position (GRCh38, 1-based): chr19:4,099,201, C>T on the plus strand (G>A on the coding strand, the complement: MAP2K2 is on the minus strand). VCF-style: chr19-4099201-C-T. GRCh37 (hg19) VCF-style: chr19-4099199-C-T.
Other names: short protein forms G307S.
Identifiers: ClinVar variation 1494585 (VCV001494585.6), dbSNP rs1469141139, ClinGen allele CA403385106.